The following is an entry in ClinVar:

ClinVar aggregate classification (germline): Uncertain significance (1 of 4 stars; one submission).

Conditions:
Emery-Dreifuss muscular dystrophy 4, autosomal dominant (EDMD4). Also called: EMERY-DREIFUSS MUSCULAR DYSTROPHY 4 WITH VARIABLE FEATURES. Identifiers: Orphanet 261, MedGen C2751807, MONDO:0013071, OMIM 612998.
Autosomal recessive ataxia, Beauce type. Also called: Spinocerebellar ataxia, autosomal recessive 8; ATAXIA, RECESSIVE, OF BEAUCE; SYNE1-Related Autosomal Recessive Cerebellar Ataxia; SYNE1 Deficiency. Identifiers: Orphanet 88644, MedGen C1853116, MONDO:0012549, OMIM 610743.

gnomAD v4.1: 17 of 1,614,056 alleles (0.0011%); highest among the groups gnomAD compares: African/African-American, 0.021%; no homozygotes.

Submission:

Labcorp Genetics (formerly Invitae), Labcorp
Classification: Uncertain significance for Emery-Dreifuss muscular dystrophy 4, autosomal dominant; Autosomal recessive ataxia, Beauce type. Last evaluated: 2024-10-30. Review status: criteria provided, single submitter. Criteria: Invitae Variant Classification Sherloc (09022015). Collection method: clinical testing. Allele origin: germline.
Comment: This sequence change replaces leucine, which is neutral and non-polar, with methionine, which is neutral and non-polar, at codon 5377 of the SYNE1 protein (p.Leu5377Met). This variant is present in population databases (rs140489126, gnomAD 0.01%). This variant has not been reported in the literature in individuals affected with SYNE1-related conditions. An algorithm developed to predict the effect of missense changes on protein structure and function (PolyPhen-2) suggests that this variant is likely to be disruptive. In summary, the available evidence is currently insufficient to determine the role of this variant in disease. Therefore, it has been classified as a Variant of Uncertain Significance.

NM_182961.4(SYNE1):c.16342C>A (p.Leu5448Met)

Gene: SYNE1 (spectrin repeat containing nuclear envelope protein 1; minus strand). Cytogenetic location: 6q25.2.
Variant type: single nucleotide variant.
Coding change: c.16342C>A on transcript NM_182961.4 (MANE Select); coding-DNA position 16342, C replaced by A.
Protein change: p.Leu5448Met; replaces leucine 5448 with methionine.
Molecular consequence: missense variant.
Genome position (GRCh38, 1-based): chr6:152,318,910, G>T on the plus strand (C>A on the coding strand, the complement: SYNE1 is on the minus strand). VCF-style: chr6-152318910-G-T. GRCh37 (hg19) VCF-style: chr6-152640045-G-T.
Other names: c.16129C>A, p.Leu5377Met (NM_033071.5); short protein forms L5377M, L5448M.
Identifiers: ClinVar variation 3752105 (VCV003752105.2).